The following is an entry in ClinVar:

ClinVar aggregate classification (germline): Uncertain significance (1 of 4 stars; one submission).

Conditions:
Familial thoracic aortic aneurysm and aortic dissection (TAAD). Also called: Thoracic aortic aneurysms and dissections. Identifiers: Orphanet 91387, MedGen C4707243, MONDO:0019625.

Submission:

Color Diagnostics, LLC DBA Color Health
Classification: Uncertain significance for Familial thoracic aortic aneurysm and aortic dissection. Last evaluated: 2025-09-13. Review status: criteria provided, single submitter. Criteria: ACMG Guidelines, 2015. Collection method: clinical testing. Allele origin: germline.
Comment: This variant deletes 2 nucleotides in exon 25 of the MYH11 gene, creating a frameshift and premature translation stop signal. This variant is expected to result in an absent or non-functional protein product. To our knowledge, this variant has not been reported in individuals affected with MYH11-related disorders in the literature. This variant has not been identified in the general population by the Genome Aggregation Database (gnomAD). The role of loss-of-function MYH11 truncation variants in autosomal dominant cardiovascular disorders is not clearly understood. The available evidence is insufficient to determine the role of this variant in disease conclusively. Therefore, this variant is classified as a Variant of Uncertain Significance.

NM_002474.3(MYH11):c.3088_3089del (p.Asn1030fs)

Gene: MYH11 (myosin heavy chain 11; minus strand). Cytogenetic location: 16p13.11.
Variant type: Deletion.
Coding change: c.3088_3089del on transcript NM_002474.3 (MANE Select); coding-DNA positions 3088 to 3089, 2 bases deleted (AA; older notation c.3088_3089delAA).
Protein change: p.Asn1030fs; shifts the reading frame from asparagine 1030.
Molecular consequence: frameshift variant.
Genome position (GRCh38, 1-based): chr16:15,738,597-15,738,598, TT deleted on the plus strand (AA on the coding strand, the reverse complement: MYH11 is on the minus strand); deleting any 2 consecutive bases within chr16:15,738,597-15,738,601 gives the same sequence; the c. name uses the placement nearest the transcript's 3' end. VCF-style (leftmost placement, unchanged base first): chr16-15738596-GTT-G. GRCh37 (hg19) VCF-style: chr16-15832453-GTT-G.
Other names: c.3109_3110del, p.Asn1037fs (NM_001040113.2, NM_001040114.2); c.3088_3089del, p.Asn1030fs (NM_022844.3); short protein forms N1030fs, N1037fs.
Identifiers: ClinVar variation 4756423 (VCV004756423.1).